The following is an entry in ClinVar:

NM_001134363.3(RBM20):c.2627C>A (p.Ser876Tyr)

Gene: RBM20 (RNA binding motif protein 20; plus strand). Cytogenetic location: 10q25.2.
Variant type: single nucleotide variant.
Coding change: c.2627C>A on transcript NM_001134363.3 (MANE Select); coding-DNA position 2627, C replaced by A.
Protein change: p.Ser876Tyr; replaces serine 876 with tyrosine.
Molecular consequence: missense variant.
Genome position (GRCh38, 1-based): chr10:110,820,148, C>A. VCF-style: chr10-110820148-C-A. GRCh37 (hg19) VCF-style: chr10-112579906-C-A.
Other names: short protein forms S876Y.
Identifiers: ClinVar variation 2954587 (VCV002954587.3), dbSNP rs1335808459, ClinGen allele CA378376944.
Genomic context (GRCh38, chr10:110,820,148, plus strand): 5'-AGGAGGGCATGGAAGAAAGCCCTCAATCAGTGGGCAGACAGGAGAAAGAAGCAGAGTTCT[C>A]TGATCCGGAAAACACAAGGACAAAGAAGGTAAAGTTTGTTTCAGATTCTGCACTTCTGCC-3'
Protein context (NP_001127835.2, residues 866-886): VGRQEKEAEF[Ser876Tyr]DPENTRTKKE

ClinVar aggregate classification (germline): Uncertain significance (1 of 4 stars; one submission).

Conditions:
Dilated cardiomyopathy 1DD (CMD1DD). Identifiers: Orphanet 154, MedGen C2750995, MONDO:0013168, OMIM 613172.

Allele frequency attached by ClinVar (database versions not stated): gnomAD exomes below 0.00001.
gnomAD v4.1: 1 of 1,551,452 alleles (0.000064%); highest among the groups gnomAD compares: African/African-American, 0.0014%; no homozygotes.

Submission:

Labcorp Genetics (formerly Invitae), Labcorp
Classification: Uncertain significance for Dilated cardiomyopathy 1DD. Last evaluated: 2023-07-12. Review status: criteria provided, single submitter. Criteria: Invitae Variant Classification Sherloc (09022015). Collection method: clinical testing. Allele origin: germline.
Comment: In summary, the available evidence is currently insufficient to determine the role of this variant in disease. Therefore, it has been classified as a Variant of Uncertain Significance. Advanced modeling of protein sequence and biophysical properties (such as structural, functional, and spatial information, amino acid conservation, physicochemical variation, residue mobility, and thermodynamic stability) performed at Invitae indicates that this missense variant is not expected to disrupt RBM20 protein function. This variant has not been reported in the literature in individuals affected with RBM20-related conditions. This variant is not present in population databases (gnomAD no frequency). This sequence change replaces serine, which is neutral and polar, with tyrosine, which is neutral and polar, at codon 876 of the RBM20 protein (p.Ser876Tyr).